The following is an entry in ClinVar:

ClinVar aggregate classification (germline): Uncertain significance (1 of 4 stars; one submission).

Conditions:
Familial hemophagocytic lymphohistiocytosis 5. Also called: STXBP2-Related Familial Hemophagocytic Lymphohistiocytosis (STXBP2-fHLH). Identifiers: Orphanet 540, MedGen C2751293, MONDO:0013135, OMIM 613101.

Allele frequency attached by ClinVar (database versions not stated): TOPMed below 0.00001.

Submission:

Labcorp Genetics (formerly Invitae), Labcorp
Classification: Uncertain significance for Familial hemophagocytic lymphohistiocytosis 5. Last evaluated: 2021-12-24. Review status: criteria provided, single submitter. Criteria: Invitae Variant Classification Sherloc (09022015). Collection method: clinical testing. Allele origin: germline.
Comment: This sequence change replaces alanine, which is neutral and non-polar, with threonine, which is neutral and polar, at codon 149 of the STXBP2 protein (p.Ala149Thr). This variant is not present in population databases (gnomAD no frequency). This variant has not been reported in the literature in individuals affected with STXBP2-related conditions. Algorithms developed to predict the effect of missense changes on protein structure and function (SIFT, PolyPhen-2, Align-GVGD) all suggest that this variant is likely to be tolerated. In summary, the available evidence is currently insufficient to determine the role of this variant in disease. Therefore, it has been classified as a Variant of Uncertain Significance.

NM_006949.4(STXBP2):c.445G>A (p.Ala149Thr)

Gene: STXBP2 (syntaxin binding protein 2; plus strand). Cytogenetic location: 19p13.2.
Variant type: single nucleotide variant.
Coding change: c.445G>A on transcript NM_006949.4 (MANE Select); coding-DNA position 445, G replaced by A.
Protein change: p.Ala149Thr; replaces alanine 149 with threonine.
Molecular consequence: missense variant. On other transcripts: non-coding transcript variant (1).
Genome position (GRCh38, 1-based): chr19:7,641,720, G>A. VCF-style: chr19-7641720-G-A. GRCh37 (hg19) VCF-style: chr19-7706606-G-A.
Other names: c.436G>A, p.Ala146Thr (NM_001127396.3); c.478G>A, p.Ala160Thr (NM_001272034.2); c.349G>A, p.Ala117Thr (NM_001414484.1); short protein forms A117T, A146T, A160T, A149T.
Identifiers: ClinVar variation 2057758 (VCV002057758.4), dbSNP rs1264193629, ClinGen allele CA403158234.